The following is an entry in ClinVar:

NM_198859.4(PRICKLE2):c.490G>A (p.Val164Ile)

Gene: PRICKLE2 (prickle planar cell polarity protein 2; minus strand). Cytogenetic location: 3p14.1.
Variant type: single nucleotide variant.
Coding change: c.490G>A on transcript NM_198859.4 (MANE Select); coding-DNA position 490, G replaced by A.
Protein change: p.Val164Ile; replaces valine 164 with isoleucine.
Molecular consequence: missense variant.
Genome position (GRCh38, 1-based): chr3:64,157,272, C>T on the plus strand (G>A on the coding strand, the complement: PRICKLE2 is on the minus strand). VCF-style: chr3-64157272-C-T. GRCh37 (hg19) VCF-style: chr3-64142948-C-T.
Other names: c.490G>A, p.Val164Ile (NM_001370528.1); short protein forms V164I.
Identifiers: ClinVar variation 1490968 (VCV001490968.8), dbSNP rs886058801, ClinGen allele CA353435082.

ClinVar aggregate classification (germline): Uncertain significance (1 of 4 stars; one submission).

Conditions:
Progressive myoclonic epilepsy type 5. Identifiers: Orphanet 402082, MedGen C5190799.

Submission:

Labcorp Genetics (formerly Invitae), Labcorp
Classification: Uncertain significance for Progressive myoclonic epilepsy type 5. Last evaluated: 2021-02-03. Review status: criteria provided, single submitter. Criteria: Invitae Variant Classification Sherloc (09022015). Collection method: clinical testing. Allele origin: germline.
Comment: In summary, the available evidence is currently insufficient to determine the role of this variant in disease. Therefore, it has been classified as a Variant of Uncertain Significance. Algorithms developed to predict the effect of missense changes on protein structure and function (SIFT, PolyPhen-2, Align-GVGD) all suggest that this variant is likely to be tolerated, but these predictions have not been confirmed by published functional studies and their clinical significance is uncertain. This variant has not been reported in the literature in individuals with PRICKLE2-related conditions. This variant is not present in population databases (ExAC no frequency). This sequence change replaces valine with isoleucine at codon 164 of the PRICKLE2 protein (p.Val164Ile). The valine residue is highly conserved and there is a small physicochemical difference between valine and isoleucine.